The following is an entry in ClinVar:

NM_001278689.2(EOGT):c.813C>T (p.Tyr271=)

Gene: EOGT (EGF domain specific O-linked N-acetylglucosamine transferase; minus strand). Cytogenetic location: 3p14.1.
Variant type: single nucleotide variant.
Coding change: c.813C>T on transcript NM_001278689.2 (MANE Select); coding-DNA position 813, C replaced by T.
Protein change: p.Tyr271=; no amino-acid change (tyrosine 271 retained).
Molecular consequence: synonymous variant.
Genome position (GRCh38, 1-based): chr3:68,998,029, G>A on the plus strand (C>T on the coding strand, the complement: EOGT is on the minus strand). VCF-style: chr3-68998029-G-A. GRCh37 (hg19) VCF-style: chr3-69047180-G-A.
Other names: c.813C>T, p.Tyr271= (NM_173654.3).
Identifiers: ClinVar variation 4872675 (VCV004872675.2).

ClinVar aggregate classification (germline): Likely benign (1 of 4 stars; one submission).

gnomAD v4.1: 28 of 1,567,730 alleles (0.0018%); highest among the groups gnomAD compares: Non-Finnish European, 0.0023%; no homozygotes.

Submission:

CeGaT Center for Human Genetics Tuebingen
Classification: Likely benign. Last evaluated: 2026-04-01. Review status: criteria provided, single submitter. Criteria: CeGaT Center For Human Genetics Tuebingen Variant Classification Criteria Version 2. Collection method: clinical testing. Allele origin: germline. Affected: yes. Observed: 1 variant allele.
Comment: EOGT: BP4, BP7